The following is an entry in ClinVar:

NM_001364905.1(LRBA):c.4399A>G (p.Arg1467Gly)

Gene: LRBA (LPS responsive beige-like anchor protein; minus strand). Cytogenetic location: 4q31.3.
Variant type: single nucleotide variant.
Coding change: c.4399A>G on transcript NM_001364905.1 (MANE Select); coding-DNA position 4399, A replaced by G.
Protein change: p.Arg1467Gly; replaces arginine 1467 with glycine.
Molecular consequence: missense variant.
Genome position (GRCh38, 1-based): chr4:150,844,720, T>C on the plus strand (A>G on the coding strand, the complement: LRBA is on the minus strand). VCF-style: chr4-150844720-T-C. GRCh37 (hg19) VCF-style: chr4-151765872-T-C.
Other names: c.4399A>G, p.Arg1467Gly (NM_001199282.3, NM_001367550.1, NM_006726.5); short protein forms R1467G.
Identifiers: ClinVar variation 1926113 (VCV001926113.4), dbSNP rs1369676989, ClinGen allele CA358450913.

ClinVar aggregate classification (germline): Uncertain significance (1 of 4 stars; one submission).

Conditions:
Combined immunodeficiency due to LRBA deficiency. Also called: Common variable immunodeficiency 8, with autoimmunity. Identifiers: Orphanet 445018, MedGen C3553512, MONDO:0013863, OMIM 614700.

Allele frequency attached by ClinVar (database versions not stated): gnomAD 0.00002; TOPMed 0.00002; gnomAD exomes below 0.00001.
gnomAD v4.1: 9 of 1,612,890 alleles (0.00056%); highest among the groups gnomAD compares: African/African-American, 0.0027%; no homozygotes.

Submission:

Labcorp Genetics (formerly Invitae), Labcorp
Classification: Uncertain significance for Combined immunodeficiency due to LRBA deficiency. Last evaluated: 2022-05-17. Review status: criteria provided, single submitter. Criteria: Invitae Variant Classification Sherloc (09022015). Collection method: clinical testing. Allele origin: germline.
Comment: In summary, the available evidence is currently insufficient to determine the role of this variant in disease. Therefore, it has been classified as a Variant of Uncertain Significance. Algorithms developed to predict the effect of missense changes on protein structure and function (SIFT, PolyPhen-2, Align-GVGD) all suggest that this variant is likely to be tolerated. This variant has not been reported in the literature in individuals affected with LRBA-related conditions. This variant is not present in population databases (gnomAD no frequency). This sequence change replaces arginine, which is basic and polar, with glycine, which is neutral and non-polar, at codon 1467 of the LRBA protein (p.Arg1467Gly).